The following is an entry in ClinVar:

NM_000051.4(ATM):c.5205C>G (p.Thr1735=)

Gene: ATM (ATM serine/threonine kinase; plus strand). Cytogenetic location: 11q22.3.
Variant type: single nucleotide variant.
Coding change: c.5205C>G on transcript NM_000051.4 (MANE Select); coding-DNA position 5205, C replaced by G.
Protein change: p.Thr1735=; no amino-acid change (threonine 1735 retained).
Molecular consequence: synonymous variant.
Genome position (GRCh38, 1-based): chr11:108,301,675, C>G. VCF-style: chr11-108301675-C-G. GRCh37 (hg19) VCF-style: chr11-108172402-C-G.
Other names: c.5205C>G, p.Thr1735= (NM_001351834.2).
Identifiers: ClinVar variation 414560 (VCV000414560.17), dbSNP rs1060504283, ClinGen allele CA16613368.

ClinVar aggregate classification (germline): Benign/Likely benign. Review status: criteria provided, multiple submitters, no conflicts (2 of 4 stars). 3 submissions from 3 submitters: Benign (1); Likely benign (2). Last evaluated 2024-05-22.

Conditions:
Hereditary cancer-predisposing syndrome. Also called: Tumor predisposition; Neoplastic Syndromes, Hereditary; Hereditary Cancer Syndrome; Hereditary neoplastic syndrome. Identifiers: Orphanet 140162, MedGen C0027672, MeSH D009386, MONDO:0015356.
Familial cancer of breast. Also called: Hereditary breast cancer; BREAST CANCER, FAMILIAL; hereditary breast carcinoma. Identifiers: Orphanet 227535, MedGen C0346153, MONDO:0016419, OMIM 114480. Disease mechanism: loss of function.
Ataxia-telangiectasia syndrome (AT). Also called: Ataxia-telangiectasia; Cerebello-oculocutaneous telangiectasia; Immunodeficiency with ataxia telangiectasia; ATAXIA-TELANGIECTASIA, COMPLEMENTATION GROUP A; ATAXIA-TELANGIECTASIA, FRESNO VARIANT; Ataxia-telangiectasia, complementation group D. Identifiers: Orphanet 100, MedGen C0004135, MONDO:0008840, OMIM 208900.

Allele frequency attached by ClinVar (database versions not stated): gnomAD exomes below 0.00001.
gnomAD v4.1: 2 of 1,613,598 alleles (0.00012%); highest among the groups gnomAD compares: Non-Finnish European, 0.000085%; no homozygotes.

Submissions (3):

Myriad Genetics, Inc.
Classification: Benign for Familial cancer of breast. Last evaluated: 2024-05-22. Review status: criteria provided, single submitter. Criteria: Myriad Autosomal Dominant, Autosomal Recessive and X-Linked Classification Criteria (2023). Collection method: clinical testing. Allele origin: unknown.
Comment: This variant is considered benign. This variant is a silent/synonymous amino acid change and it is not expected to impact splicing.

Labcorp Genetics (formerly Invitae), Labcorp
Classification: Likely benign for Ataxia-telangiectasia syndrome. Last evaluated: 2023-07-12. Review status: criteria provided, single submitter. Criteria: Invitae Variant Classification Sherloc (09022015). Collection method: clinical testing. Allele origin: germline.

Ambry Genetics
Classification: Likely benign for Hereditary cancer-predisposing syndrome. Last evaluated: 2018-12-19. Review status: criteria provided, single submitter. Criteria: Ambry Variant Classification Scheme 2023. Collection method: clinical testing. Allele origin: germline.